The following is an entry in ClinVar:

ClinVar aggregate classification (germline): Likely benign (1 of 4 stars; one submission).

Submission:

CeGaT Center for Human Genetics Tuebingen
Classification: Likely benign. Last evaluated: 2026-03-01. Review status: criteria provided, single submitter. Criteria: CeGaT Center For Human Genetics Tuebingen Variant Classification Criteria Version 2. Collection method: clinical testing. Allele origin: germline. Affected: yes. Observed: 1 variant allele.
Comment: MAMLD1: PM2:Supporting, BP4, BP7

NM_005491.5(MAMLD1):c.*472A>T

Gene: MAMLD1 (mastermind like domain containing 1; plus strand). Cytogenetic location: Xq28.
Variant type: single nucleotide variant.
Coding change: c.*472A>T on transcript NM_005491.5 (MANE Select); 472 bases downstream of the stop codon, A replaced by T.
Molecular consequence: 3 prime UTR variant. On other transcripts: synonymous variant (2).
Genome position (GRCh38, 1-based): chrX:150,512,431, A>T. VCF-style: chrX-150512431-A-T. GRCh37 (hg19) VCF-style: chrX-149680701-A-T.
Other names: c.2355A>T, p.Ala785= (NM_001177465.3); c.*472A>T (NM_001177466.3, NM_001400513.1, NM_001400514.1 and 1 more transcripts); c.2430A>T, p.Ala810= (NM_001400512.1).
Identifiers: ClinVar variation 4821712 (VCV004821712.4).